The following is an entry in ClinVar:

NM_002519.3(NPAT):c.4148G>A (p.Arg1383His)

Gene: NPAT (nuclear protein, coactivator of histone transcription; minus strand). Cytogenetic location: 11q22.3.
Variant type: single nucleotide variant.
Coding change: c.4148G>A on transcript NM_002519.3 (MANE Select); coding-DNA position 4148, G replaced by A.
Protein change: p.Arg1383His; replaces arginine 1383 with histidine.
Molecular consequence: missense variant.
Genome position (GRCh38, 1-based): chr11:108,160,938, C>T on the plus strand (G>A on the coding strand, the complement: NPAT is on the minus strand). VCF-style: chr11-108160938-C-T. GRCh37 (hg19) VCF-style: chr11-108031665-C-T.
Other names: c.4169G>A, p.Arg1390His (NM_001321307.1); short protein forms R1383H, R1390H.
Identifiers: ClinVar variation 1738215 (VCV001738215.6), dbSNP rs778117245, ClinGen allele CA6263471.

ClinVar aggregate classification (germline): Uncertain significance. Review status: criteria provided, multiple submitters, no conflicts (2 of 4 stars). 2 submissions from 2 submitters: Uncertain significance (2). Last evaluated 2023-11-19.

Allele frequency attached by ClinVar (database versions not stated): ExAC 0.00002; gnomAD 0.00002; gnomAD exomes 0.00002; TOPMed 0.00004.
gnomAD v4.1: 28 of 1,613,964 alleles (0.0017%); highest among the groups gnomAD compares: African/African-American, 0.0093%; no homozygotes.

Submissions (2):

Labcorp Genetics (formerly Invitae), Labcorp
Classification: Uncertain significance. Last evaluated: 2023-11-19. Review status: criteria provided, single submitter. Criteria: Invitae Variant Classification Sherloc (09022015). Collection method: clinical testing. Allele origin: germline.
Comment: This sequence change replaces arginine, which is basic and polar, with histidine, which is basic and polar, at codon 1383 of the NPAT protein (p.Arg1383His). This variant is present in population databases (rs778117245, gnomAD 0.02%). This variant has not been reported in the literature in individuals affected with NPAT-related conditions. ClinVar contains an entry for this variant (Variation ID: 1738215). An algorithm developed to predict the effect of missense changes on protein structure and function (PolyPhen-2) suggests that this variant is likely to be disruptive. In summary, the available evidence is currently insufficient to determine the role of this variant in disease. Therefore, it has been classified as a Variant of Uncertain Significance.

Ambry Genetics
Classification: Uncertain significance. Last evaluated: 2023-08-25. Review status: criteria provided, single submitter. Criteria: Ambry Variant Classification Scheme 2023. Collection method: clinical testing. Allele origin: germline.
Comment: The p.R1383H variant (also known as c.4148G>A), located in coding exon 17 of the NPAT gene, results from a G to A substitution at nucleotide position 4148. The arginine at codon 1383 is replaced by histidine, an amino acid with highly similar properties. This amino acid position is conserved. In addition, this alteration is predicted to be tolerated by in silico analysis. Since supporting evidence is limited at this time, the clinical significance of this alteration remains unclear.